The following is an entry in ClinVar:

NM_016333.4(SRRM2):c.7582A>G (p.Lys2528Glu)

Gene: SRRM2 (serine/arginine repetitive matrix 2; plus strand). Cytogenetic location: 16p13.3.
Variant type: single nucleotide variant.
Coding change: c.7582A>G on transcript NM_016333.4 (MANE Select); coding-DNA position 7582, A replaced by G.
Protein change: p.Lys2528Glu; replaces lysine 2528 with glutamic acid.
Molecular consequence: missense variant.
Genome position (GRCh38, 1-based): chr16:2,768,110, A>G. VCF-style: chr16-2768110-A-G. GRCh37 (hg19) VCF-style: chr16-2818111-A-G.
Other names: short protein forms K2528E.
Identifiers: ClinVar variation 2576901 (VCV002576901.1), dbSNP rs777291467, ClinGen allele CA7849106.
Genomic context (GRCh38, chr16:2,768,110, plus strand): 5'-GAGCCACCTGCCTCTACTGGGGCCCAGCAGCCTTCTGCATTAGCCGCCCTGCAGCCAGCA[A>G]AGGAGCGGCGGAGTTCCTCCTCGTCGTCGTCGTCCTCTAGCTCCTCCTCTTCTTCATCAT-3'
Protein context (NP_057417.3, residues 2518-2538): PSALAALQPA[Lys2528Glu]ERRSSSSSSS

ClinVar aggregate classification (germline): Uncertain significance (1 of 4 stars; one submission).

Allele frequency attached by ClinVar (database versions not stated): TOPMed below 0.00001; ExAC 0.00001; gnomAD exomes 0.00001.
gnomAD v4.1: 21 of 1,614,116 alleles (0.0013%); highest among the groups gnomAD compares: Non-Finnish European, 0.0018%; no homozygotes.

Submission:

GeneDx
Classification: Uncertain significance. Last evaluated: 2023-02-17. Review status: criteria provided, single submitter. Criteria: GeneDx Variant Classification Process June 2021. Collection method: clinical testing. Allele origin: germline. Affected: yes.
Comment: In silico analysis supports that this missense variant does not alter protein structure/function; Has not been previously published as pathogenic or benign to our knowledge